The following is an entry in ClinVar:

NM_198834.3(ACACA):c.6452+6G>T

Gene: ACACA (acetyl-CoA carboxylase alpha; minus strand). Cytogenetic location: 17q12.
Variant type: single nucleotide variant.
Coding change: c.6452+6G>T on transcript NM_198834.3 (MANE Select); 6 bases into the intron after coding-DNA position 6452, G replaced by T.
Molecular consequence: intron variant.
Genome position (GRCh38, 1-based): chr17:37,113,082, C>A on the plus strand (G>T on the coding strand, the complement: ACACA is on the minus strand). VCF-style: chr17-37113082-C-A. GRCh37 (hg19) VCF-style: chr17-35470017-C-A.
Other names: c.6341+6G>T (NM_198839.3, NM_198836.3); c.6167+6G>T (NM_198837.2); c.6107+6G>T (NM_198838.2).
Identifiers: ClinVar variation 1931437 (VCV001931437.5), dbSNP rs373632846, ClinGen allele CA625860390.

ClinVar aggregate classification (germline): Uncertain significance (1 of 4 stars; one submission).

Submission:

Labcorp Genetics (formerly Invitae), Labcorp
Classification: Uncertain significance. Last evaluated: 2022-07-08. Review status: criteria provided, single submitter. Criteria: Invitae Variant Classification Sherloc (09022015). Collection method: clinical testing. Allele origin: germline.
Comment: This sequence change falls in intron 55 of the ACACA gene. It does not directly change the encoded amino acid sequence of the ACACA protein. It affects a nucleotide within the consensus splice site. This variant is present in population databases (no rsID available, gnomAD 0.003%). This variant has not been reported in the literature in individuals affected with ACACA-related conditions. Variants that disrupt the consensus splice site are a relatively common cause of aberrant splicing (PMID: 17576681, 9536098). Algorithms developed to predict the effect of sequence changes on RNA splicing suggest that this variant is not likely to affect RNA splicing. In summary, the available evidence is currently insufficient to determine the role of this variant in disease. Therefore, it has been classified as a Variant of Uncertain Significance.

Literature cited by the submitters: PubMed 17576681; PubMed 9536098.